The following is an entry in ClinVar:

ClinVar aggregate classification (germline): Uncertain significance (1 of 4 stars; one submission).

Allele frequency attached by ClinVar (database versions not stated): ExAC 0.00002; TOPMed 0.00003; gnomAD 0.00004.
gnomAD v4.1: 11 of 1,614,050 alleles (0.00068%); highest among the groups gnomAD compares: African/African-American, 0.008%; no homozygotes.

Submission:

Labcorp Genetics (formerly Invitae), Labcorp
Classification: Uncertain significance. Last evaluated: 2022-11-08. Review status: criteria provided, single submitter. Criteria: Invitae Variant Classification Sherloc (09022015). Collection method: clinical testing. Allele origin: germline.
Comment: In summary, the available evidence is currently insufficient to determine the role of this variant in disease. Therefore, it has been classified as a Variant of Uncertain Significance. Algorithms developed to predict the effect of missense changes on protein structure and function (SIFT, PolyPhen-2, Align-GVGD) all suggest that this variant is likely to be tolerated. This variant has not been reported in the literature in individuals affected with MCM3AP-related conditions. This variant is present in population databases (rs777281792, gnomAD 0.02%). This sequence change replaces glutamine, which is neutral and polar, with glutamic acid, which is acidic and polar, at codon 129 of the MCM3AP protein (p.Gln129Glu).

NM_003906.5(MCM3AP):c.385C>G (p.Gln129Glu)

Gene: MCM3AP (minichromosome maintenance complex component 3 associated protein; minus strand). Cytogenetic location: 21q22.3.
Variant type: single nucleotide variant.
Coding change: c.385C>G on transcript NM_003906.5 (MANE Select); coding-DNA position 385, C replaced by G.
Protein change: p.Gln129Glu; replaces glutamine 129 with glutamic acid.
Molecular consequence: missense variant.
Genome position (GRCh38, 1-based): chr21:46,284,902, G>C on the plus strand (C>G on the coding strand, the complement: MCM3AP is on the minus strand). VCF-style: chr21-46284902-G-C. GRCh37 (hg19) VCF-style: chr21-47704816-G-C.
Other names: short protein forms Q129E.
Identifiers: ClinVar variation 2191055 (VCV002191055.3), dbSNP rs777281792, ClinGen allele CA10077357.